The following is an entry in ClinVar:

NM_000254.3(MTR):c.2953C>T (p.Arg985Trp)

Gene: MTR (5-methyltetrahydrofolate-homocysteine methyltransferase; plus strand). Cytogenetic location: 1q43.
Variant type: single nucleotide variant.
Coding change: c.2953C>T on transcript NM_000254.3 (MANE Select); coding-DNA position 2953, C replaced by T.
Protein change: p.Arg985Trp; replaces arginine 985 with tryptophan.
Molecular consequence: missense variant.
Genome position (GRCh38, 1-based): chr1:236,889,282, C>T. VCF-style: chr1-236889282-C-T. GRCh37 (hg19) VCF-style: chr1-237052582-C-T.
Other names: c.2800C>T, p.Arg934Trp (NM_001291939.1); c.1732C>T, p.Arg578Trp (NM_001291940.2); short protein forms R578W, R934W, R985W.
Identifiers: ClinVar variation 1025921 (VCV001025921.6), dbSNP rs201015844, ClinGen allele CA1474564.
Genomic context (GRCh38, chr1:236,889,282, plus strand): 5'-GACCTGCAGAAGCTGGTGGACTACATTGACTGGAAGCCTTTCTTTGATGTCTGGCAGCTC[C>T]GGGGCAAGTACCCGAATCGAGGCTTTCCCAAGATATTTAACGACAAAACAGTAGGTTAGT-3'
Protein context (NP_000245.2, residues 975-995): WKPFFDVWQL[Arg985Trp]GKYPNRGFPK

ClinVar aggregate classification (germline): Uncertain significance (1 of 4 stars; one submission).

Conditions:
Methylcobalamin deficiency type cblG (HMAG). Also called: HOMOCYSTINURIA-MEGALOBLASTIC ANEMIA, cblG COMPLEMENTATION TYPE; HOMOCYSTINURIA-MEGALOBLASTIC ANEMIA, cblG TYPE; HOMOCYSTINURIA-MEGALOBLASTIC ANEMIA DUE TO DEFECT IN COBALAMIN METABOLISM, cblG COMPLEMENTATION TYPE; Functional methionine synthase deficiency type cblG. Identifiers: Orphanet 2170, Orphanet 622, MedGen C1855128, MONDO:0009609, OMIM 250940.

Allele frequency attached by ClinVar (database versions not stated): ExAC 0.00002; gnomAD 0.00002 and 0.00004; gnomAD exomes 0.00002 and 0.00004; TOPMed 0.00003.
gnomAD v4.1: 67 of 1,614,070 alleles (0.0042%); highest among the groups gnomAD compares: Middle Eastern, 0.016%; no homozygotes.

Submission:

Labcorp Genetics (formerly Invitae), Labcorp
Classification: Uncertain significance for Methylcobalamin deficiency type cblG. Last evaluated: 2022-02-24. Review status: criteria provided, single submitter. Criteria: Invitae Variant Classification Sherloc (09022015). Collection method: clinical testing. Allele origin: germline.
Comment: This sequence change replaces arginine, which is basic and polar, with tryptophan, which is neutral and slightly polar, at codon 985 of the MTR protein (p.Arg985Trp). This variant is present in population databases (rs201015844, gnomAD 0.006%). This variant has not been reported in the literature in individuals affected with MTR-related conditions. ClinVar contains an entry for this variant (Variation ID: 1025921). Algorithms developed to predict the effect of missense changes on protein structure and function are either unavailable or do not agree on the potential impact of this missense change (SIFT: "Deleterious"; PolyPhen-2: "Probably Damaging"; Align-GVGD: "Class C0"). In summary, the available evidence is currently insufficient to determine the role of this variant in disease. Therefore, it has been classified as a Variant of Uncertain Significance.